The following is an entry in ClinVar:

NM_000316.3(PTH1R):c.310C>T (p.Arg104Ter)

Gene: PTH1R (parathyroid hormone 1 receptor; plus strand). Cytogenetic location: 3p21.31.
Variant type: single nucleotide variant.
Coding change: c.310C>T on transcript NM_000316.3 (MANE Select); coding-DNA position 310, C replaced by T.
Protein change: p.Arg104Ter; replaces arginine 104 with a stop codon.
Molecular consequence: nonsense.
Genome position (GRCh38, 1-based): chr3:46,895,866, C>T. VCF-style: chr3-46895866-C-T. GRCh37 (hg19) VCF-style: chr3-46937356-C-T.
Other names: c.310C>T, p.Arg104Ter (NM_001184744.1); c.310C>T (NM_000316.2); short protein forms R104*.
Identifiers: ClinVar variation 13750 (VCV000013750.4), dbSNP rs121434604, ClinGen allele CA123430.

ClinVar aggregate classification (germline): Pathogenic. Review status: criteria provided, multiple submitters, no conflicts (2 of 4 stars). 3 submissions from 3 submitters: Pathogenic (2). 1 of the submissions does not count toward it. Last evaluated 2024-06-25.

Conditions:
PTH1R-related disorder. Also called: PTH1R-related condition.
Chondrodysplasia Blomstrand type (BOCD). Identifiers: Orphanet 50945, MedGen C1859148, MONDO:0008970, OMIM 215045.

Allele frequency attached by ClinVar (database versions not stated): gnomAD exomes below 0.00001.
gnomAD v4.1: 3 of 1,612,840 alleles (0.00019%); highest among the groups gnomAD compares: South Asian, 0.0011%; no homozygotes.

Submissions (3):

GeneDx
Classification: Pathogenic. Last evaluated: 2024-06-25. Review status: criteria provided, single submitter. Criteria: GeneDx Variant Classification Process June 2021. Collection method: clinical testing. Allele origin: germline. Affected: yes.
Comment: Nonsense variant predicted to result in protein truncation or nonsense mediated decay in a gene for which loss of function is a known mechanism of disease; Not observed at significant frequency in large population cohorts (gnomAD); This variant is associated with the following publications: (PMID: 25525159, 34426522, 3975110, 35808914, 27019138, 36654816, 17164305)

Blueprint Genetics
Classification: Pathogenic for PTH1R-related disorders. Last evaluated: 2020-02-06. Review status: criteria provided, single submitter. Criteria: ACMG Guidelines, 2015. Collection method: clinical testing. Allele origin: germline. Affected: yes. Observed: 1 variant allele.

OMIM
Classification: Pathogenic for CHONDRODYSPLASIA, BLOMSTRAND TYPE. Last evaluated: 2007-03-01. Review status: no assertion criteria provided. Collection method: literature only. Allele origin: germline. Not counted in ClinVar's aggregate classification.

Literature cited by the submitters: PubMed 3975110 (cited by OMIM); PubMed 17164305 (cited by OMIM).